The following is an entry in ClinVar:

NM_005562.3(LAMC2):c.2150G>A (p.Arg717Gln)

Gene: LAMC2 (laminin subunit gamma 2; plus strand). Cytogenetic location: 1q25.3.
Variant type: single nucleotide variant.
Coding change: c.2150G>A on transcript NM_005562.3 (MANE Select); coding-DNA position 2150, G replaced by A.
Protein change: p.Arg717Gln; replaces arginine 717 with glutamine.
Molecular consequence: missense variant.
Genome position (GRCh38, 1-based): chr1:183,232,787, G>A. VCF-style: chr1-183232787-G-A. GRCh37 (hg19) VCF-style: chr1-183201922-G-A.
Other names: c.2150G>A, p.Arg717Gln (NM_018891.3); short protein forms R717Q.
Identifiers: ClinVar variation 726588 (VCV000726588.15), dbSNP rs62640911, ClinGen allele CA1282828.

ClinVar aggregate classification (germline): Likely benign. Review status: criteria provided, multiple submitters, no conflicts (2 of 4 stars). 4 submissions from 4 submitters: Likely benign (3). 1 of the submissions does not count toward it. Last evaluated 2026-01-28.

Conditions:
LAMC2-related disorder. Also called: LAMC2-related condition.

Allele frequency attached by ClinVar (database versions not stated): gnomAD exomes 0.00025 and 0.00054; ExAC 0.00057; gnomAD 0.00216 and 0.00225; ESP Exome Variant Server 0.00231; TOPMed 0.00244; 1000 Genomes Project 30x 0.00281; 1000 Genomes Project 0.00300.
gnomAD v4.1: 729 of 1,614,078 alleles (0.045%); highest among the groups gnomAD compares: African/African-American, 0.73%; 3 homozygotes.

Submissions (4):

Labcorp Genetics (formerly Invitae), Labcorp
Classification: Likely benign. Last evaluated: 2026-01-28. Review status: criteria provided, single submitter. Criteria: Invitae Variant Classification Sherloc (09022015). Collection method: clinical testing. Allele origin: germline.

Blueprint Genetics
Classification: Likely benign. Last evaluated: 2024-07-05. Review status: criteria provided, single submitter. Criteria: ACMG Guidelines, 2015. Collection method: clinical testing. Allele origin: germline.

Breakthrough Genomics
Classification: Likely benign. Review status: criteria provided, single submitter. Criteria: ACMG Guidelines, 2015. Collection method: not provided. Allele origin: germline. Inheritance: Autosomal recessive inheritance. Affected: yes.

PreventionGenetics, part of Exact Sciences
Classification: Benign for LAMC2-related condition. Last evaluated: 2024-04-18. Review status: no assertion criteria provided. Collection method: clinical testing. Allele origin: germline. Not counted in ClinVar's aggregate classification.
Comment: This variant is classified as benign based on ACMG/AMP sequence variant interpretation guidelines (Richards et al. 2015 PMID: 25741868, with internal and published modifications).